The following is an entry in ClinVar:

NM_030665.4(RAI1):c.-143C>T

Gene: RAI1 (retinoic acid induced 1; plus strand). Cytogenetic location: 17p11.2.
Variant type: single nucleotide variant.
Coding change: c.-143C>T on transcript NM_030665.4 (MANE Select); 143 bases upstream of the start codon, C replaced by T.
Molecular consequence: 5 prime UTR variant.
Genome position (GRCh38, 1-based): chr17:17,724,033, C>T. VCF-style: chr17-17724033-C-T. GRCh37 (hg19) VCF-style: chr17-17627347-C-T.
Identifiers: ClinVar variation 4982098 (VCV004982098.1).

ClinVar aggregate classification (germline): Likely benign (1 of 4 stars; one submission).

Conditions:
RAI1-related disorder. Also called: RAI1-related condition.

gnomAD v4.1: 1 of 139,228 alleles (0.00072%); highest among the groups gnomAD compares: Non-Finnish European, 0.0016%; no homozygotes.

Submission:

PreventionGenetics, part of Exact Sciences
Classification: Likely benign for RAI1-related condition. Last evaluated: 2025-06-24. Review status: criteria provided, single submitter. Criteria: ACMG Guidelines, 2015. Collection method: clinical testing. Allele origin: germline.
Comment: This variant is classified as likely benign based on ACMG/AMP sequence variant interpretation guidelines (Richards et al. 2015 PMID: 25741868, with internal and published modifications).